The following is an entry in ClinVar:

NM_014215.3(INSRR):c.380C>A (p.Ala127Glu)

Genes: INSRR (insulin receptor related receptor; minus strand), NTRK1 (neurotrophic receptor tyrosine kinase 1; plus strand). Cytogenetic location: 1q23.1.
Variant type: single nucleotide variant.
Coding change: c.380C>A on transcript NM_014215.3 (MANE Select); coding-DNA position 380, C replaced by A.
Protein change: p.Ala127Glu; replaces alanine 127 with glutamic acid.
Molecular consequence: missense variant. On other transcripts: intron variant (1).
Genome position (GRCh38, 1-based): chr1:156,854,009, G>T on the plus strand (C>A on the coding strand, the complement: INSRR is on the minus strand). VCF-style: chr1-156854009-G-T. GRCh37 (hg19) VCF-style: chr1-156823801-G-T.
Other names: c.123-10345G>T (NM_001007792.1); short protein forms A127E.
Identifiers: ClinVar variation 2582867 (VCV002582867.23), dbSNP rs55757706, ClinGen allele CA1168703.
Genomic context (GRCh38, chr1:156,854,009, plus strand): 5'-AGCTCCTGGTTCTTCTCCACACGCACAGCCCCACGCAGCACGGCCCCAAGTGCAGGCAGT[G>T]CCACGTCACGCAGATGTGGCATCTCAAAGATGACCAGTGCATAGCCCAGGAAGAGGCGCG-3'
Protein context (NP_055030.1, residues 117-137): IFEMPHLRDV[Ala127Glu]LPALGAVLRG

ClinVar aggregate classification (germline): Likely benign (1 of 4 stars; one submission).

Allele frequency attached by ClinVar (database versions not stated): 1000 Genomes Project 0.00080; gnomAD 0.00113; 1000 Genomes Project 30x 0.00078; ESP Exome Variant Server 0.00100; ExAC 0.00153.
gnomAD v4.1: 2,957 of 1,613,886 alleles (0.18%); highest among the groups gnomAD compares: Non-Finnish European, 0.23%; 3 homozygotes.

Submission:

CeGaT Center for Human Genetics Tuebingen
Classification: Likely benign. Last evaluated: 2023-09-01. Review status: criteria provided, single submitter. Criteria: CeGaT Center For Human Genetics Tuebingen Variant Classification Criteria Version 2. Collection method: clinical testing. Allele origin: germline. Affected: yes. Observed: 1 variant allele.
Comment: INSRR: BS2